The following is an entry in ClinVar:

NM_001267550.2(TTN):c.52102+1G>A

Genes: TTN (titin; minus strand), TTN-AS1 (TTN antisense RNA 1; plus strand). Cytogenetic location: 2q31.2.
Variant type: single nucleotide variant.
Coding change: c.52102+1G>A on transcript NM_001267550.2 (MANE Select); the canonical splice donor site of the intron after coding-DNA position 52102, G replaced by A.
Molecular consequence: splice donor variant.
Genome position (GRCh38, 1-based): chr2:178,609,207, C>T on the plus strand (G>A on the coding strand, the complement: TTN is on the minus strand). VCF-style: chr2-178609207-C-T. GRCh37 (hg19) VCF-style: chr2-179473934-C-T.
Other names: c.24907+1G>A (NM_003319.4); c.25483+1G>A (NM_133437.4); c.25282+1G>A (NM_133432.3); c.44398+1G>A (NM_133378.4); c.47179+1G>A (NM_001256850.1).
Identifiers: ClinVar variation 1219569 (VCV001219569.11), dbSNP rs1202062988, ClinGen allele CA349577148.

ClinVar aggregate classification (germline): Conflicting classifications of pathogenicity. Review status: criteria provided, conflicting classifications (1 of 4 stars). 4 submissions from 4 submitters: Pathogenic (1); Likely pathogenic (2); Uncertain significance (1). Last evaluated 2026-09-10.

Conditions:
Cardiovascular phenotype. Identifiers: MedGen CN230736.
Dilated cardiomyopathy 1G (CMD1G). Identifiers: Orphanet 154, MedGen C1858763, MONDO:0011400, OMIM 604145.
Autosomal recessive limb-girdle muscular dystrophy type 2J (LGMDR10). Also called: MUSCULAR DYSTROPHY, LIMB-GIRDLE, AUTOSOMAL RECESSIVE 10; Limb-girdle muscular dystrophy, type 2J. Identifiers: Orphanet 140922, MedGen C1837342, MONDO:0012127, OMIM 608807.

Allele frequency attached by ClinVar (database versions not stated): gnomAD 0.00001 and 0.00002.
gnomAD v4.1: 3 of 1,504,978 alleles (0.0002%); highest among the groups gnomAD compares: Admixed American, 0.0025%; no homozygotes.

Submissions (4):

GeneDx
Classification: Likely pathogenic. Last evaluated: 2026-09-10. Review status: criteria provided, single submitter. Criteria: GeneDx Variant Classification Process June 2021. Collection method: clinical testing. Allele origin: germline.
Comment: Canonical splice site variant predicted to result in an in-frame loss of the adjacent exon in a gene for which loss of function is a known mechanism of disease; Located in the A-band, a region of TTN for which truncating variants are significantly associated with autosomal dominant cardiomyopathy and also with autosomal recessive skeletal myopathies (PMID: 22335739, 32778822); Reported with a TTN frameshift variant on the opposite allele (in trans) in a child with a subsequent diagnosis of limb girdle muscular dystrophy; full clinical details were not provided (PMID: 41536042); Not observed at significant frequency in large population cohorts (gnomAD); This variant is associated with the following publications: (PMID: 38642551, 39843441, 41536042, 22335739, 32778822)

Biochemical Genetics Laboratory, National Taiwan University
Classification: Pathogenic for Autosomal recessive limb-girdle muscular dystrophy type 2J. Last evaluated: 2025-12-03. Review status: criteria provided, single submitter. Criteria: ACMG Guidelines, 2015. Collection method: clinical testing. Allele origin: germline. Affected: yes.

Ambry Genetics
Classification: Uncertain significance for Cardiovascular phenotype. Last evaluated: 2025-07-24. Review status: criteria provided, single submitter. Criteria: Ambry Variant Classification Scheme 2023. Collection method: clinical testing. Allele origin: germline.
Comment: The c.24907+1G>A intronic variant results from a G to A substitution one nucleotide after coding exon 100 of the TTN gene. This exon is located in the A-band region of the N2-B isoform of the titin protein and is constitutively expressed in TTN transcripts (percent spliced in or PSI 100%). This nucleotide position is highly conserved in available vertebrate species. In silico splice site analysis predicts that this alteration will weaken the native splice donor site. This variant disrupts the canonical splice site and is expected to cause aberrant splicing. However, although direct evidence is unavailable, this alteration is predicted to result in an in-frame transcript that is not expected to trigger nonsense-mediated mRNA decay. The exact functional effect of the predicted splice impact is unknown. Based on the available evidence, the clinical significance of this variant remains unclear.

Clinical Genetics Service, Universitary Hospital 12 de Octubre
Classification: Likely pathogenic for Dilated cardiomyopathy 1G. Review status: criteria provided, single submitter. Criteria: ACMG Guidelines, 2015. Collection method: clinical testing. Allele origin: germline. Affected: yes.